The following is an entry in ClinVar:

NM_001031710.3(KLHL7):c.1174G>A (p.Val392Ile)

Gene: KLHL7 (kelch like family member 7; plus strand). Cytogenetic location: 7p15.3.
Variant type: single nucleotide variant.
Coding change: c.1174G>A on transcript NM_001031710.3 (MANE Select); coding-DNA position 1174, G replaced by A.
Protein change: p.Val392Ile; replaces valine 392 with isoleucine.
Molecular consequence: missense variant. On other transcripts: non-coding transcript variant (1).
Genome position (GRCh38, 1-based): chr7:23,165,935, G>A. VCF-style: chr7-23165935-G-A. GRCh37 (hg19) VCF-style: chr7-23205554-G-A.
Other names: c.1030G>A, p.Val344Ile (NM_018846.5); short protein forms V392I, V344I.
Identifiers: ClinVar variation 2040347 (VCV002040347.4), dbSNP rs2534925691, ClinGen allele CA366981628.

ClinVar aggregate classification (germline): Uncertain significance (1 of 4 stars; one submission).

Submission:

Labcorp Genetics (formerly Invitae), Labcorp
Classification: Uncertain significance. Last evaluated: 2022-01-11. Review status: criteria provided, single submitter. Criteria: Invitae Variant Classification Sherloc (09022015). Collection method: clinical testing. Allele origin: germline.
Comment: This sequence change replaces valine, which is neutral and non-polar, with isoleucine, which is neutral and non-polar, at codon 392 of the KLHL7 protein (p.Val392Ile). This variant is not present in population databases (gnomAD no frequency). This variant has not been reported in the literature in individuals affected with KLHL7-related conditions. Algorithms developed to predict the effect of missense changes on protein structure and function are either unavailable or do not agree on the potential impact of this missense change (SIFT: "Deleterious"; PolyPhen-2: "Benign"; Align-GVGD: "Class C25"). In summary, the available evidence is currently insufficient to determine the role of this variant in disease. Therefore, it has been classified as a Variant of Uncertain Significance.